The following is an entry in ClinVar:

NM_000821.7(GGCX):c.1090G>A (p.Ala364Thr)

Gene: GGCX (gamma-glutamyl carboxylase; minus strand). Cytogenetic location: 2p11.2.
Variant type: single nucleotide variant.
Coding change: c.1090G>A on transcript NM_000821.7 (MANE Select); coding-DNA position 1090, G replaced by A.
Protein change: p.Ala364Thr; replaces alanine 364 with threonine.
Molecular consequence: missense variant.
Genome position (GRCh38, 1-based): chr2:85,553,297, C>T on the plus strand (G>A on the coding strand, the complement: GGCX is on the minus strand). VCF-style: chr2-85553297-C-T. GRCh37 (hg19) VCF-style: chr2-85780420-C-T.
Other names: c.919G>A, p.Ala307Thr (NM_001142269.4); c.1090G>A (NM_000821.5); short protein forms A307T, A364T.
Identifiers: ClinVar variation 1395733 (VCV001395733.6), dbSNP rs756089315, ClinGen allele CA1741933.

ClinVar aggregate classification (germline): Uncertain significance. Review status: criteria provided, multiple submitters, no conflicts (2 of 4 stars). 2 submissions from 2 submitters: Uncertain significance (2). Last evaluated 2025-08-29.

Conditions:
Inborn genetic diseases. Identifiers: MedGen C0950123, MeSH D030342.

Allele frequency attached by ClinVar (database versions not stated): gnomAD 0.00001; gnomAD exomes 0.00001 and 0.00002; TOPMed 0.00001; ExAC 0.00002.
gnomAD v4.1: 26 of 1,614,128 alleles (0.0016%); highest among the groups gnomAD compares: Non-Finnish European, 0.0019%; no homozygotes.

Submissions (2):

Ambry Genetics
Classification: Uncertain significance for Inborn genetic diseases. Last evaluated: 2025-08-29. Review status: criteria provided, single submitter. Criteria: Ambry Variant Classification Scheme 2023. Collection method: clinical testing. Allele origin: germline.

Labcorp Genetics (formerly Invitae), Labcorp
Classification: Uncertain significance. Last evaluated: 2022-06-05. Review status: criteria provided, single submitter. Criteria: Invitae Variant Classification Sherloc (09022015). Collection method: clinical testing. Allele origin: germline.
Comment: This variant has not been reported in the literature in individuals affected with GGCX-related conditions. This variant is present in population databases (rs756089315, gnomAD 0.002%). This sequence change replaces alanine, which is neutral and non-polar, with threonine, which is neutral and polar, at codon 364 of the GGCX protein (p.Ala364Thr). ClinVar contains an entry for this variant (Variation ID: 1395733). In summary, the available evidence is currently insufficient to determine the role of this variant in disease. Therefore, it has been classified as a Variant of Uncertain Significance. Algorithms developed to predict the effect of missense changes on protein structure and function output the following: SIFT: "Tolerated"; PolyPhen-2: "Benign"; Align-GVGD: "Class C0". The threonine amino acid residue is found in multiple mammalian species, which suggests that this missense change does not adversely affect protein function.